The following is an entry in ClinVar:

ClinVar aggregate classification (germline): Uncertain significance (1 of 4 stars; one submission).

Submission:

Ambry Genetics
Classification: Uncertain significance. Last evaluated: 2024-04-07. Review status: criteria provided, single submitter. Criteria: Ambry Variant Classification Scheme 2023. Collection method: clinical testing. Allele origin: germline.
Comment: The p.D1270E variant (also known as c.3810C>A), located in coding exon 4 of the ALPK2 gene, results from a C to A substitution at nucleotide position 3810. The aspartic acid at codon 1270 is replaced by glutamic acid, an amino acid with highly similar properties. This amino acid position is conserved. In addition, this alteration is predicted to be tolerated by in silico analysis. Since supporting evidence is limited at this time, the clinical significance of this alteration remains unclear.

NM_052947.4(ALPK2):c.3810C>A (p.Asp1270Glu)

Genes: ALPK2 (alpha kinase 2; minus strand), LOC126862764 (BRD4-independent group 4 enhancer GRCh37_chr18:56202574-56203773; plus strand). Cytogenetic location: 18q21.31.
Variant type: single nucleotide variant.
Coding change: c.3810C>A on transcript NM_052947.4 (MANE Select); coding-DNA position 3810, C replaced by A.
Protein change: p.Asp1270Glu; replaces aspartic acid 1270 with glutamic acid.
Molecular consequence: missense variant.
Genome position (GRCh38, 1-based): chr18:58,536,377, G>T on the plus strand (C>A on the coding strand, the complement: ALPK2 is on the minus strand). VCF-style: chr18-58536377-G-T. GRCh37 (hg19) VCF-style: chr18-56203609-G-T.
Other names: short protein forms D1270E.
Identifiers: ClinVar variation 1735151 (VCV001735151.3), dbSNP rs946409850, ClinGen allele CA402565528.